The following is an entry in ClinVar:

ClinVar aggregate classification (germline): Likely benign. Review status: criteria provided, multiple submitters, no conflicts (2 of 4 stars). 2 submissions from 2 submitters: Likely benign (2). Last evaluated 2025-12-05.

Conditions:
Familial sleep-related hypermotor epilepsy. Also called: Autosomal Dominant Sleep-Related Hypermotor (Hyperkinetic) Epilepsy. Identifiers: Orphanet 98784, MedGen C3696898, MONDO:0000030.

Allele frequency attached by ClinVar (database versions not stated): 1000 Genomes Project 0.00020; TOPMed 0.00004; 1000 Genomes Project 30x 0.00016; gnomAD 0.00010.
gnomAD v4.1: 54 of 1,611,498 alleles (0.0034%); highest among the groups gnomAD compares: East Asian, 0.058%; no homozygotes.

Submissions (2):

Labcorp Genetics (formerly Invitae), Labcorp
Classification: Likely benign. Last evaluated: 2025-12-05. Review status: criteria provided, single submitter. Criteria: Invitae Variant Classification Sherloc (09022015). Collection method: clinical testing. Allele origin: germline.

GeneDx
Classification: Likely benign. Last evaluated: 2013-11-18. Review status: criteria provided, single submitter. Criteria: GeneDx Variant Classification (06012015). Collection method: clinical testing. Allele origin: germline. Affected: yes.
Comment: This variant is considered likely benign or benign based on one or more of the following criteria: it is a conservative change, it occurs at a poorly conserved position in the protein, it is predicted to be benign by multiple in silico algorithms, and/or has population frequency not consistent with disease.

NM_000744.7(CHRNA4):c.1645C>T (p.Arg549Cys)

Gene: CHRNA4 (cholinergic receptor nicotinic alpha 4 subunit; minus strand). Cytogenetic location: 20q13.33.
Variant type: single nucleotide variant.
Coding change: c.1645C>T on transcript NM_000744.7 (MANE Select); coding-DNA position 1645, C replaced by T.
Protein change: p.Arg549Cys; replaces arginine 549 with cysteine.
Molecular consequence: missense variant. On other transcripts: non-coding transcript variant (1).
Genome position (GRCh38, 1-based): chr20:63,349,766, G>A on the plus strand (C>T on the coding strand, the complement: CHRNA4 is on the minus strand). VCF-style: chr20-63349766-G-A. GRCh37 (hg19) VCF-style: chr20-61981118-G-A.
Other names: p.R549C:CGC>TGC; c.1117C>T, p.Arg373Cys (NM_001256573.2); short protein forms R549C, R373C.
Identifiers: ClinVar variation 205004 (VCV000205004.12), dbSNP rs367658654, ClinGen allele CA313528.